The following is an entry in ClinVar:

ClinVar aggregate classification (germline): Likely pathogenic (1 of 4 stars; one submission).

Conditions:
Intellectual disability-severe speech delay-mild dysmorphism syndrome (IDDLA). Also called: Mental retardation with language impairment and autistic features; Intellectual developmental disorder with language impairment AND with or without autistic features; FOXP1 Syndrome. Identifiers: Orphanet 391372, MedGen C4013764, MONDO:0013352, OMIM 613670.

Submission:

3billion
Classification: Likely pathogenic for Intellectual disability-severe speech delay-mild dysmorphism syndrome. Last evaluated: 2022-09-01. Review status: criteria provided, single submitter. Criteria: ACMG Guidelines, 2015. Collection method: clinical testing. Allele origin: germline. Affected: yes. Observed: 1 heterozygote.
Comment: The variant is not observed in the gnomAD v2.1.1 dataset. Frameshift variant is predicted to result in a loss or disruption of normal protein function through nonsense-mediated decay (NMD) or protein truncation. Multiple pathogenic variants are reported downstream of the variant. Therefore, this variant is classified as Likely pathogenic according to the recommendation of ACMG/AMP guideline.

NM_001349338.3(FOXP1):c.427del (p.Leu143fs)

Gene: FOXP1 (forkhead box P1; minus strand). Cytogenetic location: 3p13.
Variant type: Deletion.
Coding change: c.427del on transcript NM_001349338.3 (MANE Select); coding-DNA position 427, one base deleted (C; older notation c.427delC).
Protein change: p.Leu143fs; shifts the reading frame from leucine 143.
Molecular consequence: frameshift variant. On other transcripts: non-coding transcript variant (2), intron variant (1).
Genome position (GRCh38, 1-based): chr3:71,052,620, G deleted on the plus strand (C on the coding strand, the reverse complement: FOXP1 is on the minus strand). VCF-style (leftmost placement, unchanged base first): chr3-71052619-AG-A. GRCh37 (hg19) VCF-style: chr3-71101770-AG-A.
Other names: c.427del, p.Leu143fs (NM_001244808.3, NM_001244810.2, NM_001244814.3 and 3 more transcripts); c.127del, p.Leu43fs (NM_001244813.3, NM_001244815.2, NM_001349342.3 and 1 more transcripts); c.124del, p.Leu42fs (NM_001349337.2, NM_001349343.3, NM_001349344.3); c.427delC, p.Leu143Phefs (NM_001349339.1); c.424del, p.Leu142fs (NM_001349341.3); c.283-5525del (NM_001244812.3); short protein forms L142fs, L143fs, L42fs, L43fs.
Identifiers: ClinVar variation 1705402 (VCV001705402.1), dbSNP rs2545873713, ClinGen allele CA2580070423.